The following is an entry in ClinVar:

NM_014244.5(ADAMTS2):c.72_73insGTGAC (p.Pro25fs)

Gene: ADAMTS2 (ADAM metallopeptidase with thrombospondin type 1 motif 2; minus strand). Cytogenetic location: 5q35.3.
Variant type: Insertion.
Coding change: c.72_73insGTGAC on transcript NM_014244.5 (MANE Select); coding-DNA positions 72 to 73, GTGAC inserted.
Protein change: p.Pro25fs; shifts the reading frame from proline 25.
Molecular consequence: frameshift variant.
Genome position: GRCh38 VCF-style: chr5-179345256-G-GGTCAC. GRCh37 (hg19) VCF-style: chr5-178772257-G-GGTCAC.
Other names: c.72_73insGTGAC, p.Pro25fs (NM_021599.4); short protein forms P25fs.
Identifiers: ClinVar variation 5016374 (VCV005016374.1).

ClinVar aggregate classification (germline): Pathogenic (1 of 4 stars; one submission).

Conditions:
Ehlers-Danlos syndrome, dermatosparaxis type. Also called: EDS VIIC; Dermatosparaxis; Ehlers-Danlos syndrome, type VII, autosomal recessive. Identifiers: Orphanet 1901, MedGen C2700425, MONDO:0009161, OMIM 225410.

Submission:

Myriad Genetics, Inc.
Classification: Pathogenic for Ehlers-Danlos syndrome, dermatosparaxis type. Last evaluated: 2024-05-14. Review status: criteria provided, single submitter. Criteria: Myriad Autosomal Dominant, Autosomal Recessive and X-Linked Classification Criteria (2023). Collection method: clinical testing. Allele origin: unknown.
Comment: NM_014244.4(ADAMTS2):c.72_73ins5(P25Vfs*142) is expected to be pathogenic in the context of Ehlers-Danlos syndrome, ADAMTS2-related. This variant is predicted to lead to an abnormal or absent protein product due to the creation of a premature termination codon in ADAMTS2, a gene where loss-of-function variants are known to be pathogenic. Please note: this variant was assessed in the context of healthy population screening.